The following is an entry in ClinVar:

ClinVar aggregate classification (germline): Benign. Review status: criteria provided, single submitter (1 of 4 stars). 2 submissions from 1 submitter: Benign (2). Last evaluated 2018-01-13.

Conditions:
Charcot-Marie-Tooth disease type 4C (CMT4C). Also called: CHARCOT-MARIE-TOOTH DISEASE, DEMYELINATING, AUTOSOMAL RECESSIVE, TYPE 4C; CMT 4C; Charcot-Marie-Tooth Neuropathy Type 4C (CMT4C); CHARCOT-MARIE-TOOTH DISEASE, DEMYELINATING, TYPE 4C; SH3TC2-Related Hereditary Motor and Sensory Neuropathy. Identifiers: Orphanet 99949, MedGen C1866636, MONDO:0011113, OMIM 601596.
Susceptibility to mononeuropathy of the median nerve, mild. Also called: CARPAL TUNNEL SYNDROME, SUSCEPTIBILITY TO. Identifiers: MedGen C3150596, MONDO:0013237, OMIM 613353.

Allele frequency attached by ClinVar (database versions not stated): TOPMed 0.17011; 1000 Genomes Project 30x 0.17911; 1000 Genomes Project 0.18031; gnomAD 0.18073 and 0.18279; gnomAD exomes 0.22808.
gnomAD v4.1: 37,570 of 194,684 alleles (19%); highest among the groups gnomAD compares: East Asian, 25%; 3,839 homozygotes.

Submissions (2):

Illumina Laboratory Services, Illumina
Classification: Benign for Charcot-Marie-Tooth disease type 4C. Last evaluated: 2018-01-13. Review status: criteria provided, single submitter. Criteria: ICSL Variant Classification Criteria 13 December 2019. Collection method: clinical testing. Allele origin: germline.
Comment: This variant was observed in the ICSL laboratory as part of a predisposition screen in an ostensibly healthy population. It had not been previously curated by ICSL or reported in the Human Gene Mutation Database (HGMD: prior to June 1st, 2018), and was therefore a candidate for classification through an automated scoring system. Utilizing variant allele frequency, disease prevalence and penetrance estimates, and inheritance mode, an automated score was calculated to assess if this variant is too frequent to cause the disease. Based on the score and internal cut-off values, a variant classified as benign is not then subjected to further curation. The score for this variant resulted in a classification of benign for this disease.

Illumina Laboratory Services, Illumina
Classification: Benign for Susceptibility to mononeuropathy of the median nerve, mild. Last evaluated: 2018-01-13. Review status: criteria provided, single submitter. Criteria: ICSL Variant Classification Criteria 13 December 2019. Collection method: clinical testing. Allele origin: germline.
Comment: the same text as in the submission from Illumina Laboratory Services, Illumina above.

NM_024577.4(SH3TC2):c.*719G>A

Gene: SH3TC2 (SH3 domain and tetratricopeptide repeats 2; minus strand). Cytogenetic location: 5q32.
Variant type: single nucleotide variant.
Coding change: c.*719G>A on transcript NM_024577.4 (MANE Select); 719 bases downstream of the stop codon, G replaced by A.
Molecular consequence: 3 prime UTR variant.
Genome position (GRCh38, 1-based): chr5:149,003,992, C>T on the plus strand (G>A on the coding strand, the complement: SH3TC2 is on the minus strand). VCF-style: chr5-149003992-C-T. GRCh37 (hg19) VCF-style: chr5-148383555-C-T.
Identifiers: ClinVar variation 351881 (VCV000351881.5), dbSNP rs10050933, ClinGen allele CA10623332.